The following is an entry in ClinVar:

ClinVar aggregate classification (germline): Likely benign (1 of 4 stars; one submission).

Conditions:
Malignant hyperthermia, susceptibility to, 1 (MHS1). Also called: Anesthesia related hyperthermia; Malignant hyperpyrexia; Fulminating hyperpyrexia; Pharmacogenic myopathy; RYR1-Related Malignant Hyperthermia Susceptibility; Malignant hyperthermia suceptibility 1. Identifiers: Orphanet 423, MedGen C2930980, MONDO:0007783, OMIM 145600.

Submission:

All of Us Research Program, National Institutes of Health
Classification: Likely benign for Malignant hyperthermia, susceptibility to, 1. Last evaluated: 2023-08-23. Review status: criteria provided, single submitter. Criteria: ACMG Guidelines, 2015. Collection method: clinical testing. Allele origin: germline. Inheritance: Autosomal dominant inheritance. Observed: 1 variant allele, 1 heterozygote.
Comment: This study involves interpretation of variants in research participants for the purpose of population health screening. Participant phenotype was not available at the time of variant classification. Additional details can be found in publication PMID: 35346344, PMCID: PMC8962531

NM_000540.3(RYR1):c.6797-6dup

Gene: RYR1 (ryanodine receptor 1; plus strand). Cytogenetic location: 19q13.2.
Variant type: Duplication.
Coding change: c.6797-6dup on transcript NM_000540.3 (MANE Select); 6 bases into the intron before coding-DNA position 6797, one base duplicated (C; older notation c.6797-6dupC).
Molecular consequence: intron variant.
Genome position (GRCh38, 1-based): chr19:38,496,854, C duplicated; the last of 4 consecutive C bases (chr19:38,496,851-38,496,854); duplicating any one gives the same sequence. VCF-style (leftmost placement, unchanged base first): chr19-38496850-G-GC. GRCh37 (hg19) VCF-style: chr19-38987490-G-GC.
Other names: c.6797-6dup (NM_001042723.2).
Identifiers: ClinVar variation 3073148 (VCV003073148.1), dbSNP rs1969854685, ClinGen allele CA2825002778.